The following is an entry in ClinVar:

NM_000540.3(RYR1):c.2204_2213del (p.His735fs)

Gene: RYR1 (ryanodine receptor 1; plus strand). Cytogenetic location: 19q13.2.
Variant type: Deletion.
Coding change: c.2204_2213del on transcript NM_000540.3 (MANE Select); coding-DNA positions 2204 to 2213, 10 bases deleted (ACCTCCTGGC; older notation c.2204_2213delACCTCCTGGC).
Protein change: p.His735fs; shifts the reading frame from histidine 735.
Molecular consequence: frameshift variant.
Genome position (GRCh38, 1-based): chr19:38,459,182-38,459,191, ACCTCCTGGC deleted; deleting any 10 consecutive bases within chr19:38,459,180-38,459,191 gives the same sequence; the c. name uses the placement nearest the transcript's 3' end. VCF-style (leftmost placement, unchanged base first): chr19-38459179-AGCACCTCCTG-A. GRCh37 (hg19) VCF-style: chr19-38949819-AGCACCTCCTG-A.
Other names: c.2204_2213del, p.His735fs (NM_001042723.2); short protein forms H735fs.
Identifiers: ClinVar variation 2575944 (VCV002575944.1), dbSNP rs2514048469, ClinGen allele CA2580613116.

ClinVar aggregate classification (germline): Likely pathogenic (1 of 4 stars; one submission).

Submission:

Institute for Clinical Genetics, University Hospital TU Dresden, University Hospital TU Dresden
Classification: Likely pathogenic. Last evaluated: 2022-04-27. Review status: criteria provided, single submitter. Criteria: ACMG Guidelines, 2015. Collection method: clinical testing. Allele origin: paternal.
Comment: PVS1, PM2_SUP